The following is an entry in ClinVar:

ClinVar aggregate classification (germline): Likely benign (1 of 4 stars; one submission).

gnomAD v4.1: 1,439 of 1,608,564 alleles (0.089%); highest among the groups gnomAD compares: Middle Eastern, 0.92%; 22 homozygotes.

Submission:

CeGaT Center for Human Genetics Tuebingen
Classification: Likely benign. Last evaluated: 2026-06-01. Review status: criteria provided, single submitter. Criteria: CeGaT Center For Human Genetics Tuebingen Variant Classification Criteria Version 2. Collection method: clinical testing. Allele origin: germline. Affected: yes. Observed: 1 variant allele.
Comment: POTEF: BS2

NM_001099771.2(POTEF):c.1949C>T (p.Thr650Met)

Gene: POTEF (POTE ankyrin domain family member F; minus strand). Cytogenetic location: 2q21.1.
Variant type: single nucleotide variant.
Coding change: c.1949C>T on transcript NM_001099771.2 (MANE Select); coding-DNA position 1949, C replaced by T.
Protein change: p.Thr650Met; replaces threonine 650 with methionine.
Molecular consequence: missense variant.
Genome position (GRCh38, 1-based): chr2:130,075,523, G>A on the plus strand (C>T on the coding strand, the complement: POTEF is on the minus strand). VCF-style: chr2-130075523-G-A. GRCh37 (hg19) VCF-style: chr2-130833096-G-A.
Other names: short protein forms T650M.
Identifiers: ClinVar variation 5038764 (VCV005038764.1).